The following is an entry in ClinVar:

NM_002303.6(LEPR):c.715C>T (p.Pro239Ser)

Gene: LEPR (leptin receptor; plus strand). Cytogenetic location: 1p31.3.
Variant type: single nucleotide variant.
Coding change: c.715C>T on transcript NM_002303.6 (MANE Select); coding-DNA position 715, C replaced by T.
Protein change: p.Pro239Ser; replaces proline 239 with serine.
Molecular consequence: missense variant.
Genome position (GRCh38, 1-based): chr1:65,596,459, C>T. VCF-style: chr1-65596459-C-T. GRCh37 (hg19) VCF-style: chr1-66062142-C-T.
Other names: c.715C>T, p.Pro239Ser (NM_001003679.3, NM_001003680.3, NM_001198687.2 and 2 more transcripts); short protein forms P239S.
Identifiers: ClinVar variation 2630289 (VCV002630289.1), dbSNP rs2526655912, ClinGen allele CA340679512.
Genomic context (GRCh38, chr1:65,596,459, plus strand): 5'-TGTCATGAAAATTACTTGACTTAAAAGTATTCTCTTTTTTTTCCTTAAGTGAAGCCTGAT[C>T]CACCATTAGGTTTGCATATGGAAATCACAGATGATGGTAATTTAAAGATTTCTTGGTCCA-3'
Protein context (NP_002294.2, residues 229-249): VQPINMVKPD[Pro239Ser]PLGLHMEITD

ClinVar aggregate classification (germline): Uncertain significance (1 of 4 stars; one submission).

Conditions:
LEPR-related disorder. Also called: LEPR-related condition; LEPR-related disorders.

Allele frequency attached by ClinVar (database versions not stated): gnomAD exomes 0.00001.
gnomAD v4.1: 20 of 1,612,546 alleles (0.0012%); highest among the groups gnomAD compares: Non-Finnish European, 0.0017%; no homozygotes.

Submission:

PreventionGenetics, part of Exact Sciences
Classification: Uncertain significance for LEPR-related condition. Last evaluated: 2023-06-16. Review status: criteria provided, single submitter. Criteria: ACMG Guidelines, 2015. Collection method: clinical testing. Allele origin: germline.
Comment: The LEPR c.715C>T variant is predicted to result in the amino acid substitution p.Pro239Ser. To our knowledge, this variant has not been reported in the literature or in a large population database, indicating this variant is rare. At this time, the clinical significance of this variant is uncertain due to the absence of conclusive functional and genetic evidence.